The following is an entry in ClinVar:

ClinVar aggregate classification (germline): Pathogenic (1 of 4 stars; one submission).

Conditions:
Hereditary cancer-predisposing syndrome. Also called: Tumor predisposition; Hereditary Cancer Syndrome; Hereditary neoplastic syndrome; Neoplastic Syndromes, Hereditary. Identifiers: Orphanet 140162, MedGen C0027672, MeSH D009386, MONDO:0015356.

Submission:

Ambry Genetics
Classification: Pathogenic for Hereditary cancer-predisposing syndrome. Last evaluated: 2025-11-07. Review status: criteria provided, single submitter. Criteria: Ambry Variant Classification Scheme 2023. Collection method: clinical testing. Allele origin: germline.
Comment: The c.903delT pathogenic mutation, located in coding exon 8 of the SDHA gene, results from a deletion of one nucleotide at nucleotide position 903, causing a translational frameshift with a predicted alternate stop codon (p.Y301*). This variant was reported in individual(s) with features consistent with SDHA-related hereditary pheochromocytoma-paraganglioma (Ambry internal data). This variant is considered to be rare based on population cohorts in the Genome Aggregation Database (gnomAD). This alteration is expected to result in loss of function by premature protein truncation or nonsense-mediated mRNA decay. As such, this alteration is interpreted as a disease-causing mutation.

NM_004168.4(SDHA):c.903del (p.Ile300_Tyr301insTer)

Gene: SDHA (succinate dehydrogenase complex flavoprotein subunit A; plus strand). Cytogenetic location: 5p15.33.
Variant type: Deletion.
Coding change: c.903del on transcript NM_004168.4 (MANE Select); coding-DNA position 903, one base deleted (T; older notation c.903delT).
Protein change: p.Ile300_Tyr301insTer.
Molecular consequence: nonsense.
Genome position (GRCh38, 1-based): chr5:233,484, T deleted. VCF-style (leftmost placement, unchanged base first): chr5-233483-AT-A. GRCh37 (hg19) VCF-style: chr5-233598-AT-A.
Other names: c.759del, p.Ile252_Tyr253insTer (NM_001294332.2); c.903del, p.Ile300_Tyr301insTer (NM_001330758.2).
Identifiers: ClinVar variation 4546852 (VCV004546852.1).
Genomic context (GRCh38, chr5:233,483, plus strand): 5'-TTGAAATAGAGATCTAGCAATTGTTAGGTAATAAATATGTGTGGTTTTTTGCAGGCATAT[AT>A]GGTGCTGGTTGTCTCATTACGGAAGGATGTCGTGGAGAGGGAGGCATTCTCATTAACAGT-3'